The following is an entry in ClinVar:

NM_003336.4(UBE2A):c.126-5T>G

Gene: UBE2A (ubiquitin conjugating enzyme E2 A; plus strand). Cytogenetic location: Xq24.
Variant type: single nucleotide variant.
Coding change: c.126-5T>G on transcript NM_003336.4 (MANE Select); 5 bases into the intron before coding-DNA position 126, T replaced by G.
Molecular consequence: intron variant.
Genome position (GRCh38, 1-based): chrX:119,575,370, T>G. VCF-style: chrX-119575370-T-G. GRCh37 (hg19) VCF-style: chrX-118709333-T-G.
Other names: c.126-5T>G (NM_181762.3); c.27-5T>G (NM_001282161.2).
Identifiers: ClinVar variation 4733613 (VCV004733613.1).
Genomic context (GRCh38, chrX:119,575,370, plus strand): 5'-CTCAGATGAAGCAGGGAGAAGGGGGCCCCTTAAGTGGGAACTGACCATTTTTCTCTGTGT[T>G]GCAGGCCTGAAGGGACCCCGTTTGAGGATGGTAAGAGAGAGTTTCTTTACCCACTTTTCA-3'

ClinVar aggregate classification (germline): Uncertain significance (1 of 4 stars; one submission).

Submission:

Labcorp Genetics (formerly Invitae), Labcorp
Classification: Uncertain significance. Last evaluated: 2025-12-19. Review status: criteria provided, single submitter. Criteria: Invitae Variant Classification Sherloc (09022015). Collection method: clinical testing. Allele origin: germline.
Comment: This sequence change falls in intron 2 of the UBE2A gene. It does not directly change the encoded amino acid sequence of the UBE2A protein. This variant is not present in population databases (gnomAD no frequency). This variant has not been reported in the literature in individuals affected with UBE2A-related conditions. Algorithms developed to predict the effect of sequence changes on RNA splicing suggest that this variant may disrupt the consensus splice site. In summary, the available evidence is currently insufficient to determine the role of this variant in disease. Therefore, it has been classified as a Variant of Uncertain Significance.